The following is an entry in ClinVar:

NM_001282860.2(GON4L):c.2499G>A (p.Leu833=)

Gene: GON4L (gon-4 like; minus strand). Cytogenetic location: 1q22.
Variant type: single nucleotide variant.
Coding change: c.2499G>A on transcript NM_001282860.2 (MANE Select); coding-DNA position 2499, G replaced by A.
Protein change: p.Leu833=; no amino-acid change (leucine 833 retained).
Molecular consequence: synonymous variant.
Genome position (GRCh38, 1-based): chr1:155,771,214, C>T on the plus strand (G>A on the coding strand, the complement: GON4L is on the minus strand). VCF-style: chr1-155771214-C-T. GRCh37 (hg19) VCF-style: chr1-155741005-C-T.
Other names: c.2499G>A, p.Leu833= (NM_001282856.2, NM_001282858.2, NM_001282861.2 and 1 more transcripts).
Identifiers: ClinVar variation 3053057 (VCV003053057.3), dbSNP rs143886196, ClinGen allele CA1150806.

ClinVar aggregate classification (germline): Likely benign. Review status: criteria provided, single submitter (1 of 4 stars). 2 submissions from 2 submitters: Likely benign (1). 1 of the submissions does not count toward it. Last evaluated 2024-10-09.

Conditions:
GON4L-related disorder. Also called: GON4L-related condition.

Allele frequency attached by ClinVar (database versions not stated): ExAC 0.00065; gnomAD 0.00192; TOPMed 0.00203; ESP Exome Variant Server 0.00215; 1000 Genomes Project 0.00300; 1000 Genomes Project 30x 0.00359.
gnomAD v4.1: 597 of 1,614,110 alleles (0.037%); highest among the groups gnomAD compares: African/African-American, 0.69%; 2 homozygotes.

Submissions (2):

Blueprint Genetics
Classification: Likely benign. Last evaluated: 2024-10-09. Review status: criteria provided, single submitter. Criteria: ACMG Guidelines, 2015. Collection method: clinical testing. Allele origin: germline.

PreventionGenetics, part of Exact Sciences
Classification: Likely benign for GON4L-related condition. Last evaluated: 2020-01-20. Review status: no assertion criteria provided. Collection method: clinical testing. Allele origin: germline. Not counted in ClinVar's aggregate classification.
Comment: This variant is classified as likely benign based on ACMG/AMP sequence variant interpretation guidelines (Richards et al. 2015 PMID: 25741868, with internal and published modifications).